The following is an entry in ClinVar:

NM_000152.5(GAA):c.2161dup (p.Glu721fs)

Gene: GAA (alpha glucosidase; plus strand). Cytogenetic location: 17q25.3.
Variant type: Duplication.
Coding change: c.2161dup on transcript NM_000152.5 (MANE Select); coding-DNA position 2161, one base duplicated (G; older notation c.2161dupG).
Protein change: p.Glu721fs; shifts the reading frame from glutamic acid 721.
Molecular consequence: frameshift variant.
Genome position (GRCh38, 1-based): chr17:80,113,338, G duplicated; the last of 5 consecutive G bases (chr17:80,113,334-80,113,338); duplicating any one gives the same sequence. VCF-style (leftmost placement, unchanged base first): chr17-80113333-C-CG. GRCh37 (hg19) VCF-style: chr17-78087132-C-CG.
Other names: NM_000152.5(GAA):c.2161dup; p.Glu721fs; c.2161dup (LRG_673t1); c.2161dup, p.Glu721fs (NM_001079803.3, NM_001079804.3); c.2161dupG (NM_000152.3); short protein forms E721fs.
Identifiers: ClinVar variation 550277 (VCV000550277.7), dbSNP rs1555601802, ClinGen allele CA658795275.

ClinVar aggregate classification (germline): Likely pathogenic. Review status: reviewed by expert panel (3 of 4 stars). 3 submissions from 3 submitters: Likely pathogenic (1). 2 of the submissions do not count toward it. Last evaluated 2024-04-05.

Conditions:
Glycogen storage disease, type II (IOPD). Also called: POMPE DISEASE, INFANTILE-ONSET; GLYCOGEN STORAGE DISEASE II, INFANTILE-ONSET; ACID ALPHA-GLUCOSIDASE DEFICIENCY, INFANTILE-ONSET; GAA DEFICIENCY, INFANTILE-ONSET; ACID MALTASE DEFICIENCY, INFANTILE-ONSET; CARDIOMEGALIA GLYCOGENICA DIFFUSA. Identifiers: Orphanet 365, MedGen C0017921, MONDO:0009290, OMIM 232300.

Submissions (3):

ClinGen Lysosomal Storage Disorder Variant Curation Expert Panel
Classification: Likely pathogenic for Glycogen storage disease, type II. Last evaluated: 2024-04-05. Review status: reviewed by expert panel. Criteria: clingen_lsd_acmg_specifications_v2-1. Collection method: curation. Allele origin: germline. Inheritance: Autosomal recessive inheritance.
Comment: The NM_000152.5:c.2161dup (p.Glu721GlyfsTer16) variant in GAA is a frameshift variant predicted to cause a premature stop codon in biologically-relevant-exon 16 out of 20, leading to nonsense mediated decay in a gene in which loss-of-function is an established disease mechanism (PVS1). This variant is absent in gnomAD v2.1.1 (PM2_Supporting). One individual with this variant and Pompe disease has been reported in the literature, but the residual GAA activity and second variant were not provided and therefore PP4 cannot be assessed (PMID: 18425781). Another individual with "p.E721Rfs", identified by newborn screening had been reported (PMIDs 28196920, 29095812) but the cDNA change was not provided. There is a ClinVar entry for this variant (Variation ID: 550277). This variant meets the criteria to be classified as Likely Pathogenic for Pompe disease. The classification of this variant has been upgraded from Variant of Uncertain Significance to likely pathogenic based on the recommendations of the ClinGen Sequence Variant Interpretation Working Group, that a variant meeting PVS1 and PM2_Supporting is classified as Likely Pathogenic. The classification was first approved by the ClinGen Lysosomal Diseases Variant Curation Expert Panel on September 7, 2021. Since then, the data for this variant have been re-evaluated - no new data were identified. The classification of likely pathogenic was reapproved on April 5, 2024. GAA-specific ACMG/AMP criteria met, as specified by the ClinGen Lysosomal Diseases Variant Curation Expert Panel (Specifications Version 2.0): PVS1, PM2_Supporting.

Genomenon, Inc
Classification: Pathogenic for Glycogen storage disease, type II. Last evaluated: 2026-07-01. Review status: criteria provided, single submitter. Criteria: Genomenon Sequence Variant Interpretation Standards - Updated. Collection method: curation. Allele origin: germline. Affected: yes. Not counted in ClinVar's aggregate classification.
Comment: GAA p.Glu721GlyfsTer16 (c.2161dup) is a frameshift variant that is predicted to introduce a premature termination codon and result in a truncated or absent protein product. This variant has been observed in at least one proband with a GAA-related disorder (PMID:39273088). It is absent or not present at a significant frequency in gnomAD. In conclusion, we classify GAA p.Glu721GlyfsTer16 (c.2161dup) as a pathogenic variant.

Counsyl
Classification: Likely pathogenic for Glycogen storage disease, type II. Last evaluated: 2016-12-27. Review status: no assertion criteria provided. Collection method: clinical testing. Allele origin: unknown. Not counted in ClinVar's aggregate classification.

Literature cited by the submitters: PubMed 39273088 (cited by Genomenon, Inc); PubMed 18425781 (cited by Counsyl).